The following is an entry in ClinVar:

NM_032119.4(ADGRV1):c.1750A>G (p.Ile584Val)

Gene: ADGRV1 (adhesion G protein-coupled receptor V1; plus strand). Cytogenetic location: 5q14.3.
Variant type: single nucleotide variant.
Coding change: c.1750A>G on transcript NM_032119.4 (MANE Select); coding-DNA position 1750, A replaced by G.
Protein change: p.Ile584Val; replaces isoleucine 584 with valine.
Molecular consequence: missense variant. On other transcripts: non-coding transcript variant (1).
Genome position (GRCh38, 1-based): chr5:90,629,450, A>G. VCF-style: chr5-90629450-A-G. GRCh37 (hg19) VCF-style: chr5-89925267-A-G.
Other names: short protein forms I584V.
Identifiers: ClinVar variation 1017580 (VCV001017580.7), dbSNP rs1561417370, ClinGen allele CA360375667.

ClinVar aggregate classification (germline): Uncertain significance (1 of 4 stars; one submission).

Allele frequency attached by ClinVar (database versions not stated): gnomAD exomes below 0.00001 and 0.00001.
gnomAD v4.1: 7 of 1,613,668 alleles (0.00043%); highest among the groups gnomAD compares: Non-Finnish European, 0.00059%; no homozygotes.

Submission:

Labcorp Genetics (formerly Invitae), Labcorp
Classification: Uncertain significance. Last evaluated: 2022-09-12. Review status: criteria provided, single submitter. Criteria: Invitae Variant Classification Sherloc (09022015). Collection method: clinical testing. Allele origin: germline.
Comment: This sequence change replaces isoleucine, which is neutral and non-polar, with valine, which is neutral and non-polar, at codon 584 of the ADGRV1 protein (p.Ile584Val). This variant is not present in population databases (gnomAD no frequency). This variant has not been reported in the literature in individuals affected with ADGRV1-related conditions. ClinVar contains an entry for this variant (Variation ID: 1017580). Advanced modeling of protein sequence and biophysical properties (such as structural, functional, and spatial information, amino acid conservation, physicochemical variation, residue mobility, and thermodynamic stability) performed at Invitae indicates that this missense variant is not expected to disrupt ADGRV1 protein function. In summary, the available evidence is currently insufficient to determine the role of this variant in disease. Therefore, it has been classified as a Variant of Uncertain Significance.